The following is an entry in ClinVar:

ClinVar aggregate classification (germline): Uncertain significance (1 of 4 stars; one submission).

Submission:

GeneDx
Classification: Uncertain significance. Last evaluated: 2023-11-19. Review status: criteria provided, single submitter. Criteria: GeneDx Variant Classification Process June 2021. Collection method: clinical testing. Allele origin: germline. Affected: yes.
Comment: Not observed at significant frequency in large population cohorts (gnomAD); In silico analysis supports that this missense variant does not alter protein structure/function; Has not been previously published as pathogenic or benign to our knowledge

NM_014754.3(PTDSS1):c.1105A>T (p.Ile369Leu)

Gene: PTDSS1 (phosphatidylserine synthase 1; plus strand). Cytogenetic location: 8q22.1.
Variant type: single nucleotide variant.
Coding change: c.1105A>T on transcript NM_014754.3 (MANE Select); coding-DNA position 1105, A replaced by T.
Protein change: p.Ile369Leu; replaces isoleucine 369 with leucine.
Molecular consequence: missense variant.
Genome position (GRCh38, 1-based): chr8:96,320,277, A>T. VCF-style: chr8-96320277-A-T. GRCh37 (hg19) VCF-style: chr8-97332505-A-T.
Other names: c.667A>T, p.Ile223Leu (NM_001290225.2); short protein forms I223L, I369L.
Identifiers: ClinVar variation 3364574 (VCV003364574.1).